The following is an entry in ClinVar:

NM_182961.4(SYNE1):c.15124G>A (p.Glu5042Lys)

Gene: SYNE1 (spectrin repeat containing nuclear envelope protein 1; minus strand). Cytogenetic location: 6q25.2.
Variant type: single nucleotide variant.
Coding change: c.15124G>A on transcript NM_182961.4 (MANE Select); coding-DNA position 15124, G replaced by A.
Protein change: p.Glu5042Lys; replaces glutamic acid 5042 with lysine.
Molecular consequence: missense variant.
Genome position (GRCh38, 1-based): chr6:152,326,465, C>T on the plus strand (G>A on the coding strand, the complement: SYNE1 is on the minus strand). VCF-style: chr6-152326465-C-T. GRCh37 (hg19) VCF-style: chr6-152647600-C-T.
Other names: c.14911G>A, p.Glu4971Lys (NM_033071.5); short protein forms E4971K, E5042K.
Identifiers: ClinVar variation 958130 (VCV000958130.7), dbSNP rs533927341, ClinGen allele CA150172194.
Genomic context (GRCh38, chr6:152,326,465, plus strand): 5'-GTGGGTCCAGGGTGGCTACCAGGCTGTGGAGCTCCTCCAGGTTACTATGGAACTGATCCT[C>T]TGTACTGAAAAATTCCATGTGGCTTTTGAGATTTTCCTCTGCGCTCTCCACGTCTAGGCC-3'
Protein context (NP_892006.3, residues 5032-5052): LKSHMEFFST[Glu5042Lys]DQFHSNLEEL

ClinVar aggregate classification (germline): Uncertain significance (1 of 4 stars; one submission).

Conditions:
Autosomal recessive ataxia, Beauce type. Also called: Spinocerebellar ataxia, autosomal recessive 8; ATAXIA, RECESSIVE, OF BEAUCE; SYNE1-Related Autosomal Recessive Cerebellar Ataxia; SYNE1 Deficiency. Identifiers: Orphanet 88644, MedGen C1853116, MONDO:0012549, OMIM 610743.
Emery-Dreifuss muscular dystrophy 4, autosomal dominant (EDMD4). Also called: EMERY-DREIFUSS MUSCULAR DYSTROPHY 4 WITH VARIABLE FEATURES. Identifiers: Orphanet 261, MedGen C2751807, MONDO:0013071, OMIM 612998.

Allele frequency attached by ClinVar (database versions not stated): gnomAD exomes below 0.00001.
gnomAD v4.1: 2 of 1,614,176 alleles (0.00012%); highest among the groups gnomAD compares: Non-Finnish European, 0.00017%; no homozygotes.

Submission:

Labcorp Genetics (formerly Invitae), Labcorp
Classification: Uncertain significance for Emery-Dreifuss muscular dystrophy 4, autosomal dominant; Autosomal recessive ataxia, Beauce type. Last evaluated: 2021-08-28. Review status: criteria provided, single submitter. Criteria: Invitae Variant Classification Sherloc (09022015). Collection method: clinical testing. Allele origin: germline.
Comment: This sequence change replaces glutamic acid with lysine at codon 4971 of the SYNE1 protein (p.Glu4971Lys). The glutamic acid residue is highly conserved and there is a small physicochemical difference between glutamic acid and lysine. This variant is not present in population databases (ExAC no frequency). This variant has not been reported in the literature in individuals affected with SYNE1-related conditions. Algorithms developed to predict the effect of missense changes on protein structure and function output the following: SIFT: "Tolerated"; PolyPhen-2: "Benign"; Align-GVGD: "Class C0". The lysine amino acid residue is found in multiple mammalian species, which suggests that this missense change does not adversely affect protein function. In summary, the available evidence is currently insufficient to determine the role of this variant in disease. Therefore, it has been classified as a Variant of Uncertain Significance.